The following is an entry in ClinVar:

NM_004369.4(COL6A3):c.709G>A (p.Ala237Thr)

Gene: COL6A3 (collagen type VI alpha 3 chain; minus strand). Cytogenetic location: 2q37.3.
Variant type: single nucleotide variant.
Coding change: c.709G>A on transcript NM_004369.4 (MANE Select); coding-DNA position 709, G replaced by A.
Protein change: p.Ala237Thr; replaces alanine 237 with threonine.
Molecular consequence: missense variant. On other transcripts: intron variant (4).
Genome position (GRCh38, 1-based): chr2:237,394,587, C>T on the plus strand (G>A on the coding strand, the complement: COL6A3 is on the minus strand). VCF-style: chr2-237394587-C-T. GRCh37 (hg19) VCF-style: chr2-238303230-C-T.
Other names: c.91+2140G>A (NM_057166.5, NM_057167.4, NM_057164.5 and 1 more transcripts); short protein forms A237T.
Identifiers: ClinVar variation 542981 (VCV000542981.9), dbSNP rs1553564820, ClinGen allele CA351226455.
Genomic context (GRCh38, chr2:237,394,587, plus strand): 5'-TGCCAAGCTCATCTCCCAAGAACAGCAGGGCAGGGCGTAGCTTGGTGGCGTTGCCATTAC[C>T]TGTGATGTCTTTAAGGGTTTCCGTGTCCCCAGCCCTTTCTGGACTCACGGATGAATGCAC-3'
Protein context (NP_004360.2, residues 227-247): GDTETLKDIT[Ala237Thr]QDSADIIFLI

ClinVar aggregate classification (germline): Uncertain significance (1 of 4 stars; one submission).

Conditions:
Bethlem myopathy 1A. Also called: MYOPATHY, BENIGN CONGENITAL, WITH CONTRACTURES; Bethlem Muscular Dystrophy; Bethlem myopathy 1. Identifiers: Orphanet 610, MedGen CN029274, MONDO:0024530, OMIM 158810.

Allele frequency attached by ClinVar (database versions not stated): gnomAD exomes below 0.00001.
gnomAD v4.1: 1 of 1,613,982 alleles (0.000062%); highest among the groups gnomAD compares: Non-Finnish European, 0.000085%; no homozygotes.

Submission:

Labcorp Genetics (formerly Invitae), Labcorp
Classification: Uncertain significance for Bethlem myopathy 1A. Last evaluated: 2022-07-06. Review status: criteria provided, single submitter. Criteria: Invitae Variant Classification Sherloc (09022015). Collection method: clinical testing. Allele origin: germline.
Comment: This variant has not been reported in the literature in individuals affected with COL6A3-related conditions. This variant is not present in population databases (gnomAD no frequency). This sequence change replaces alanine, which is neutral and non-polar, with threonine, which is neutral and polar, at codon 237 of the COL6A3 protein (p.Ala237Thr). This variant also falls at the last nucleotide of exon 3, which is part of the consensus splice site for this exon. ClinVar contains an entry for this variant (Variation ID: 542981). In summary, the available evidence is currently insufficient to determine the role of this variant in disease. Therefore, it has been classified as a Variant of Uncertain Significance. Variants that disrupt the consensus splice site are a relatively common cause of aberrant splicing (PMID: 17576681, 9536098). Algorithms developed to predict the effect of sequence changes on RNA splicing suggest that this variant may disrupt the consensus splice site. Algorithms developed to predict the effect of missense changes on protein structure and function are either unavailable or do not agree on the potential impact of this missense change (SIFT: "Deleterious"; PolyPhen-2: "Possibly Damaging"; Align-GVGD: "Class C0").

Literature cited by the submitters: PubMed 17576681; PubMed 9536098.